The following is an entry in ClinVar:

ClinVar aggregate classification (germline): Uncertain significance. Review status: criteria provided, multiple submitters, no conflicts (2 of 4 stars). 3 submissions from 3 submitters: Uncertain significance (3). Last evaluated 2018-02-27.

Conditions:
Charcot-Marie-Tooth disease type 2. Also called: Charcot-Marie-Tooth type 2. Identifiers: Orphanet 64746, MedGen C0270914, MONDO:0018993.

Submissions (3):

Labcorp Genetics (formerly Invitae), Labcorp
Classification: Uncertain significance for Charcot-Marie-Tooth disease type 2. Last evaluated: 2018-02-27. Review status: criteria provided, single submitter. Criteria: Invitae Variant Classification Sherloc (09022015). Collection method: clinical testing. Allele origin: germline.
Comment: Algorithms developed to predict the effect of missense changes on protein structure and function do not agree on the potential impact of this missense change (SIFT: "Deleterious"; PolyPhen-2: "Benign"; Align-GVGD: "Class C0"). This variant is not present in population databases (ExAC no frequency) and has not been reported in the literature in individuals with a MFN2-related disease. This sequence change replaces aspartic acid with glutamic acid at codon 219 of the MFN2 protein (p.Asp219Glu). The aspartic acid residue is highly conserved and there is a small physicochemical difference between aspartic acid and glutamic acid. In summary, this is a novel missense change with uncertain impact on protein function. It has been classified as a Variant of Uncertain Significance.

Athena Diagnostics
Classification: Uncertain significance. Last evaluated: 2017-03-21. Review status: criteria provided, single submitter. Criteria: Athena Diagnostics Criteria. Collection method: clinical testing. Allele origin: germline.

CeGaT Center for Human Genetics Tuebingen
Classification: Uncertain significance. Last evaluated: 2016-12-01. Review status: criteria provided, single submitter. Criteria: CeGaT Center For Human Genetics Tuebingen Variant Classification Criteria Version 2. Collection method: clinical testing. Allele origin: germline. Affected: yes. Observed: 1 variant allele.

NM_014874.4(MFN2):c.657T>G (p.Asp219Glu)

Gene: MFN2 (mitofusin 2; plus strand). Cytogenetic location: 1p36.22.
Variant type: single nucleotide variant.
Coding change: c.657T>G on transcript NM_014874.4 (MANE Select); coding-DNA position 657, T replaced by G.
Protein change: p.Asp219Glu; replaces aspartic acid 219 with glutamic acid.
Molecular consequence: missense variant.
Genome position (GRCh38, 1-based): chr1:11,998,827, T>G. VCF-style: chr1-11998827-T-G. GRCh37 (hg19) VCF-style: chr1-12058884-T-G.
Other names: c.657T>G, p.Asp219Glu (NM_001127660.2); short protein forms D219E.
Identifiers: ClinVar variation 240947 (VCV000240947.49), dbSNP rs878854989, ClinGen allele CA10581723.